The following is an entry in ClinVar:

NM_000540.3(RYR1):c.1342A>T (p.Ile448Phe)

Gene: RYR1 (ryanodine receptor 1; plus strand). Cytogenetic location: 19q13.2.
Variant type: single nucleotide variant.
Coding change: c.1342A>T on transcript NM_000540.3 (MANE Select); coding-DNA position 1342, A replaced by T.
Protein change: p.Ile448Phe; replaces isoleucine 448 with phenylalanine.
Molecular consequence: missense variant.
Genome position (GRCh38, 1-based): chr19:38,452,916, A>T. VCF-style: chr19-38452916-A-T. GRCh37 (hg19) VCF-style: chr19-38943556-A-T.
Other names: c.1342A>T, p.Ile448Phe (NM_001042723.2); short protein forms I448F.
Identifiers: ClinVar variation 571022 (VCV000571022.17), dbSNP rs911417327, ClinGen allele CA308120715.

ClinVar aggregate classification (germline): Conflicting classifications of pathogenicity. Review status: criteria provided, conflicting classifications (1 of 4 stars). 8 submissions from 8 submitters: Pathogenic (2); Likely pathogenic (4); Uncertain significance (1). 1 of the submissions does not count toward it. Last evaluated 2026-08-06.

Conditions:
Central core myopathy (CMYO1A). Also called: CONGENITAL MYOPATHY 1A, AUTOSOMAL DOMINANT, WITH SUSCEPTIBILITY TO MALIGNANT HYPERTHERMIA; Central core disease; Myopathy, central fibrillar. Identifiers: Orphanet 597, MedGen C5830701, MONDO:0007294, OMIM 117000.
Congenital multicore myopathy with external ophthalmoplegia (CMYO1B). Also called: MULTIMINICORE DISEASE WITH EXTERNAL OPHTHALMOPLEGIA; MULTICORE MYOPATHY; Congenital myopathy 1B, autosomal recessive; Minicore myopathy; Minicore myopathy with external ophthalmoplegia. Identifiers: Orphanet 598, Orphanet 98905, MedGen C1850674, MONDO:0009712, OMIM 255320, HP:0003789.
Malignant hyperthermia, susceptibility to, 1 (MHS1). Also called: Anesthesia related hyperthermia; Malignant hyperpyrexia; Fulminating hyperpyrexia; Pharmacogenic myopathy; RYR1-Related Malignant Hyperthermia Susceptibility; Malignant hyperthermia suceptibility 1. Identifiers: Orphanet 423, MedGen C2930980, MONDO:0007783, OMIM 145600.
King Denborough syndrome (KDS). Identifiers: MedGen C1840365, MONDO:0020485, OMIM 619542.
RYR1-related disorder. Also called: RYR1-related disorders; RYR1-related condition. Identifiers: MedGen CN239331.
Centronuclear myopathy (CNM). Also called: Myotubular myopathy; Centronuclear myopathy, congenital. Identifiers: Orphanet 595, MedGen C0175709, MONDO:0018947. Inheritance: All.

Allele frequency attached by ClinVar (database versions not stated): gnomAD exomes below 0.00001; TOPMed 0.00001.
gnomAD v4.1: 7 of 1,613,844 alleles (0.00043%); highest among the groups gnomAD compares: Non-Finnish European, 0.00017%; no homozygotes.

Submissions (8):

OLLIN Analises Genomicas, OLLIN
Classification: Uncertain significance for Central core myopathy. Last evaluated: 2026-08-06. Review status: criteria provided, single submitter. Criteria: ACMG Guidelines 2015 PMID 25741868. Collection method: clinical testing. Allele origin: germline. Inheritance: Autosomal dominant inheritance.
Comment: This missense variant, located in exon 13 (of 106), has been reported in ClinVar (accession VCV000571022.13) and in gnomAD with an allele frequency of 0.00043%. However, to our knowledge, it has not been reported in the scientific literature. In silico analysis predicts that this variant has a deleterious effect. This variant is located in a region considered to be a mutational hotspot. According to the currently available evidence, this variant has been classified as uncertain significance (PM1, PP3_M).

Mendelics
Classification: Pathogenic for Congenital multicore myopathy with external ophthalmoplegia. Last evaluated: 2026-03-05. Review status: criteria provided, single submitter. Criteria: ACMG Guidelines, 2015. Collection method: clinical testing. Allele origin: unknown.
Comment: Likely pathogenic/Pathogenic according to ACMG criteria.

Dasa
Classification: Likely pathogenic. Last evaluated: 2025-08-06. Review status: criteria provided, single submitter. Criteria: DASA Assertion Criteria. Collection method: clinical testing. Allele origin: germline.
Comment: NM_000540.3(RYR1):c.1342A>T (p.Ile448Phe) is a missense variant that results in the substitution of isoleucine with phenylalanine. This variant has been recurrently observed in individuals with RYR1-related disorders (PMID: 28269792; PMID: 28818389). Also, this variant is rare in population databases. Computational evidence supports a deleterious effect. Based on the currently available evidence, this variant is classified as likely pathogenic.

Labcorp Genetics (formerly Invitae), Labcorp
Classification: Pathogenic for RYR1-related disorder. Last evaluated: 2025-06-12. Review status: criteria provided, single submitter. Criteria: Invitae Variant Classification Sherloc (09022015). Collection method: clinical testing. Allele origin: germline.
Comment: This sequence change replaces isoleucine, which is neutral and non-polar, with phenylalanine, which is neutral and non-polar, at codon 448 of the RYR1 protein (p.Ile448Phe). This variant is present in population databases (no rsID available, gnomAD 0.007%). This missense change has been observed in individual(s) with autosomal recessive congenital myopathy (PMID: 28269792, 28818389). In at least one individual the data is consistent with being in trans (on the opposite chromosome) from a pathogenic variant. ClinVar contains an entry for this variant (Variation ID: 571022). Invitae Evidence Modeling of protein sequence and biophysical properties (such as structural, functional, and spatial information, amino acid conservation, physicochemical variation, residue mobility, and thermodynamic stability) indicates that this missense variant is expected to disrupt RYR1 protein function with a positive predictive value of 95%. For these reasons, this variant has been classified as Pathogenic.

GeneDx
Classification: Likely pathogenic. Last evaluated: 2024-07-11. Review status: criteria provided, single submitter. Criteria: GeneDx Variant Classification Process June 2021. Collection method: clinical testing. Allele origin: germline. Affected: yes.
Comment: In silico analysis supports that this missense variant has a deleterious effect on protein structure/function; Not observed at significant frequency in large population cohorts (gnomAD); This variant is associated with the following publications: (PMID: 28818389, Singanamalla2021[CaseReport], 28269792, 33767344)

Muscle and Diseases Team, Institut de Génétique et Biologie Moléculaire et Cellulaire
Classification: Likely pathogenic for Centronuclear myopathy. Last evaluated: 2024-03-01. Review status: criteria provided, single submitter. Criteria: ACMG Guidelines, 2015. Collection method: research. Allele origin: unknown. Affected: yes. Observed: 1 variant allele.
Comment: PM2+PM3+PP2+PP3

Clinical Genetics Service, Universitary Hospital 12 de Octubre
Classification: Likely pathogenic for Congenital multicore myopathy with external ophthalmoplegia. Review status: criteria provided, single submitter. Criteria: ACMG Guidelines, 2015. Collection method: clinical testing. Allele origin: germline. Affected: yes.

Department of Pathology and Laboratory Medicine, Sinai Health System
Classification: Uncertain significance for Central core myopathy; Malignant hyperthermia, susceptibility to, 1; Congenital multicore myopathy with external ophthalmoplegia; King Denborough syndrome. Last evaluated: 2022-07-03. Review status: flagged submission. Criteria: ACMG Guidelines, 2015. Collection method: research. Allele origin: germline. Not counted in ClinVar's aggregate classification.
ClinVar note: Reason: Outlier claim with insufficient supporting evidence

Literature cited by the submitters: PubMed 28269792 (cited by Dasa and Labcorp Genetics (formerly Invitae), Labcorp); PubMed 28818389 (cited by 3 submitters); DOI 10.1186/s13073-024-01353-0 (cited by Muscle and Diseases Team, Institut de Génétique et Biologie Moléculaire et Cellulaire).